The following is an entry in ClinVar:

NM_004958.4(MTOR):c.2554G>A (p.Gly852Ser)

Gene: MTOR (mechanistic target of rapamycin kinase; minus strand). Cytogenetic location: 1p36.22.
Variant type: single nucleotide variant.
Coding change: c.2554G>A on transcript NM_004958.4 (MANE Select); coding-DNA position 2554, G replaced by A.
Protein change: p.Gly852Ser; replaces glycine 852 with serine.
Molecular consequence: missense variant.
Genome position (GRCh38, 1-based): chr1:11,231,395, C>T on the plus strand (G>A on the coding strand, the complement: MTOR is on the minus strand). VCF-style: chr1-11231395-C-T. GRCh37 (hg19) VCF-style: chr1-11291452-C-T.
Other names: c.2554G>A, p.Gly852Ser (NM_001386500.1); c.1306G>A, p.Gly436Ser (NM_001386501.1); short protein forms G436S, G852S.
Identifiers: ClinVar variation 2767093 (VCV002767093.3), dbSNP rs2523262485, ClinGen allele CA338382782.

ClinVar aggregate classification (germline): Uncertain significance (1 of 4 stars; one submission).

Submission:

Labcorp Genetics (formerly Invitae), Labcorp
Classification: Uncertain significance. Last evaluated: 2023-10-09. Review status: criteria provided, single submitter. Criteria: Invitae Variant Classification Sherloc (09022015). Collection method: clinical testing. Allele origin: germline.
Comment: This sequence change replaces glycine, which is neutral and non-polar, with serine, which is neutral and polar, at codon 852 of the MTOR protein (p.Gly852Ser). This variant is not present in population databases (gnomAD no frequency). This variant has not been reported in the literature in individuals affected with MTOR-related conditions. Advanced modeling of protein sequence and biophysical properties (such as structural, functional, and spatial information, amino acid conservation, physicochemical variation, residue mobility, and thermodynamic stability) performed at Invitae indicates that this missense variant is not expected to disrupt MTOR protein function. In summary, the available evidence is currently insufficient to determine the role of this variant in disease. Therefore, it has been classified as a Variant of Uncertain Significance.